The following is an entry in ClinVar:

ClinVar aggregate classification (germline): Benign. Review status: criteria provided, multiple submitters, no conflicts (2 of 4 stars). 2 submissions from 2 submitters: Benign (2). Last evaluated 2018-01-13.

Conditions:
Holoprosencephaly 4 (HPE4). Identifiers: Orphanet 2162, MedGen C1840528, MONDO:0007734, OMIM 142946.

Allele frequency attached by ClinVar (database versions not stated): 1000 Genomes Project 30x 0.05247; 1000 Genomes Project 0.05571; TOPMed 0.04670; gnomAD 0.04849 and 0.04999; gnomAD exomes 0.06638.

Submissions (2):

Illumina Laboratory Services, Illumina
Classification: Benign for Holoprosencephaly 4. Last evaluated: 2018-01-13. Review status: criteria provided, single submitter. Criteria: ICSL Variant Classification Criteria 13 December 2019. Collection method: clinical testing. Allele origin: germline.
Comment: This variant was observed in the ICSL laboratory as part of a predisposition screen in an ostensibly healthy population. It had not been previously curated by ICSL or reported in the Human Gene Mutation Database (HGMD: prior to June 1st, 2018), and was therefore a candidate for classification through an automated scoring system. Utilizing variant allele frequency, disease prevalence and penetrance estimates, and inheritance mode, an automated score was calculated to assess if this variant is too frequent to cause the disease. Based on the score and internal cut-off values, a variant classified as benign is not then subjected to further curation. The score for this variant resulted in a classification of benign for this disease.

Breakthrough Genomics
Classification: Benign. Review status: criteria provided, single submitter. Criteria: ACMG Guidelines, 2015. Collection method: not provided. Allele origin: germline. Inheritance: Autosomal dominant inheritance. Affected: yes.

NM_173208.3(TGIF1):c.-445G>T

Gene: TGIF1 (TGFB induced factor homeobox 1; plus strand). Cytogenetic location: 18p11.31.
Variant type: single nucleotide variant.
Coding change: c.-445G>T on transcript NM_173208.3; 445 bases upstream of the start codon, G replaced by T.
Molecular consequence: 5 prime UTR variant. On other transcripts: intron variant (5).
Genome position (GRCh38, 1-based): chr18:3,449,794, G>T. VCF-style: chr18-3449794-G-T. GRCh37 (hg19) VCF-style: chr18-3449792-G-T.
Other names: c.-442G>T (NM_001278684.2); c.-321G>T (NM_173209.3); c.-44-6560G>T (NM_174886.3, NM_001278686.3); c.58+1997G>T (NM_173207.4); c.-45+1255G>T (NM_001374396.1); c.25+138G>T (NM_001278682.2).
Identifiers: ClinVar variation 889044 (VCV000889044.7), dbSNP rs2238537, ClinGen allele CA295561890.